The following is an entry in ClinVar:

NM_001256627.2(BRSK2):c.802A>G (p.Ile268Val)

Gene: BRSK2 (BR serine/threonine kinase 2; plus strand). Cytogenetic location: 11p15.5.
Variant type: single nucleotide variant.
Coding change: c.802A>G on transcript NM_001256627.2 (MANE Select); coding-DNA position 802, A replaced by G.
Protein change: p.Ile268Val; replaces isoleucine 268 with valine.
Molecular consequence: missense variant. On other transcripts: non-coding transcript variant (1).
Genome position (GRCh38, 1-based): chr11:1,444,992, A>G. VCF-style: chr11-1444992-A-G. GRCh37 (hg19) VCF-style: chr11-1466222-A-G.
Other names: c.802A>G, p.Ile268Val (NM_001256629.2, NM_003957.4); c.940A>G, p.Ile314Val (NM_001256630.1); c.622A>G, p.Ile208Val (NM_001282218.2); short protein forms I208V, I268V, I314V.
Identifiers: ClinVar variation 3057959 (VCV003057959.2), dbSNP rs965107147, ClinGen allele CA217053826.

ClinVar aggregate classification (germline): Uncertain significance (0 of 4 stars; one submission).

Conditions:
BRSK2-related disorder. Also called: BRSK2-related condition; BRSK2-Related Disorders.

Allele frequency attached by ClinVar (database versions not stated): gnomAD 0.00001; gnomAD exomes 0.00001; TOPMed 0.00001.
gnomAD v4.1: 9 of 1,613,014 alleles (0.00056%); highest among the groups gnomAD compares: Middle Eastern, 0.016%; no homozygotes.

Submission:

PreventionGenetics, part of Exact Sciences
Classification: Uncertain significance for BRSK2-related condition. Last evaluated: 2024-01-23. Review status: no assertion criteria provided. Collection method: clinical testing. Allele origin: germline.
Comment: The BRSK2 c.802A>G variant is predicted to result in the amino acid substitution p.Ile268Val. To our knowledge, this variant has not been reported in the literature. This variant is reported in 0.0065% of alleles in individuals of African descent in gnomAD. At this time, the clinical significance of this variant is uncertain due to the absence of conclusive functional and genetic evidence.